The following is an entry in ClinVar:

ClinVar aggregate classification (germline): Uncertain significance (1 of 4 stars; one submission).

Submission:

GeneDx
Classification: Uncertain significance. Last evaluated: 2026-03-26. Review status: criteria provided, single submitter. Criteria: GeneDx Variant Classification Process June 2021. Collection method: clinical testing. Allele origin: germline.
Comment: Frameshift variant predicted to result in abnormal protein length as the last 482 amino acid(s) are replaced with 71 different amino acid(s); Has not been previously published as pathogenic or benign to our knowledge

NM_016151.4(TAOK2):c.2255dup (p.Leu754fs)

Gene: TAOK2 (TAO kinase 2; plus strand). Cytogenetic location: 16p11.2.
Variant type: Duplication.
Coding change: c.2255dup on transcript NM_016151.4 (MANE Select); coding-DNA position 2255, one base duplicated (C; older notation c.2255dupC).
Protein change: p.Leu754fs; shifts the reading frame from leucine 754.
Molecular consequence: frameshift variant. On other transcripts: intron variant (2).
Genome position (GRCh38, 1-based): chr16:29,986,527, C duplicated; the last of 6 consecutive C bases (chr16:29,986,522-29,986,527); duplicating any one gives the same sequence. VCF-style (leftmost placement, unchanged base first): chr16-29986521-G-GC. GRCh37 (hg19) VCF-style: chr16-29997842-G-GC.
Other names: c.2232+23dup (NM_004783.4, NM_001252043.2); short protein forms L754fs.
Identifiers: ClinVar variation 5017432 (VCV005017432.1).
Genomic context (GRCh38, chr16:29,986,521, plus strand): 5'-AGAAGCATGCGGCCCAGGTTCGCCAGCAGCCCAAGAGCCTCAAAGTACGTGCAGGCCAGC[G>GC]CCCCCCGGGCCTTCCACTCCCCATTCCTGGGGCTCTGGGCCCACCCAACACAGGCACCCC-3'